The following is an entry in ClinVar:

ClinVar aggregate classification (germline): Uncertain significance (1 of 4 stars; one submission).

Allele frequency attached by ClinVar (database versions not stated): gnomAD exomes below 0.00001.
gnomAD v4.1: 5 of 1,614,192 alleles (0.00031%); highest among the groups gnomAD compares: Admixed American, 0.0033%; no homozygotes.

Submission:

Labcorp Genetics (formerly Invitae), Labcorp
Classification: Uncertain significance. Last evaluated: 2025-06-20. Review status: criteria provided, single submitter. Criteria: Invitae Variant Classification Sherloc (09022015). Collection method: clinical testing. Allele origin: germline.
Comment: This sequence change replaces methionine, which is neutral and non-polar, with threonine, which is neutral and polar, at codon 325 of the DFNA5 protein (p.Met325Thr). This variant is not present in population databases (gnomAD no frequency). This variant has not been reported in the literature in individuals affected with DFNA5-related conditions. ClinVar contains an entry for this variant (Variation ID: 1680832). Invitae Evidence Modeling of protein sequence and biophysical properties (such as structural, functional, and spatial information, amino acid conservation, physicochemical variation, residue mobility, and thermodynamic stability) indicates that this missense variant is not expected to disrupt DFNA5 protein function with a negative predictive value of 80%. In summary, the available evidence is currently insufficient to determine the role of this variant in disease. Therefore, it has been classified as a Variant of Uncertain Significance.

NM_001127453.2(GSDME):c.974T>C (p.Met325Thr)

Gene: GSDME (gasdermin E; minus strand). Cytogenetic location: 7p15.3.
Variant type: single nucleotide variant.
Coding change: c.974T>C on transcript NM_001127453.2 (MANE Select); coding-DNA position 974, T replaced by C.
Protein change: p.Met325Thr; replaces methionine 325 with threonine.
Molecular consequence: missense variant.
Genome position (GRCh38, 1-based): chr7:24,708,143, A>G on the plus strand (T>C on the coding strand, the complement: GSDME is on the minus strand). VCF-style: chr7-24708143-A-G. GRCh37 (hg19) VCF-style: chr7-24747762-A-G.
Other names: c.482T>C, p.Met161Thr (NM_001127454.2); c.974T>C, p.Met325Thr (NM_004403.3); short protein forms M161T, M325T.
Identifiers: ClinVar variation 1680832 (VCV001680832.6), dbSNP rs2128048757, ClinGen allele CA367047273.